The following is an entry in ClinVar:

NM_005566.4(LDHA):c.958G>A (p.Ala320Thr)

Gene: LDHA (lactate dehydrogenase A; plus strand). Cytogenetic location: 11p15.1.
Variant type: single nucleotide variant.
Coding change: c.958G>A on transcript NM_005566.4 (MANE Select); coding-DNA position 958, G replaced by A.
Protein change: p.Ala320Thr; replaces alanine 320 with threonine.
Molecular consequence: missense variant. On other transcripts: 3 prime UTR variant (1), non-coding transcript variant (1).
Genome position (GRCh38, 1-based): chr11:18,407,240, G>A. VCF-style: chr11-18407240-G-A. GRCh37 (hg19) VCF-style: chr11-18428787-G-A.
Other names: c.784G>A, p.Ala262Thr (NM_001135239.2); c.1045G>A, p.Ala349Thr (NM_001165414.2); c.689G>A, p.Cys230Tyr (NM_001165415.2); c.*108G>A (NM_001165416.2); short protein forms A320T, A349T, C230Y, A262T.
Identifiers: ClinVar variation 426816 (VCV000426816.2), dbSNP rs1085307812, ClinGen allele CA379509103.
Genomic context (GRCh38, chr11:18,407,240, plus strand): 5'-ATCTCAGACCTTGTGAAGGTGACTCTGACTTCTGAGGAAGAGGCCCGTTTGAAGAAGAGT[G>A]CAGATACACTTTGGGGGATCCAAAAGGAGCTGCAATTTTAAAGTCTTCTGATGTCATATC-3'
Protein context (NP_005557.1, residues 310-330): SEEEARLKKS[Ala320Thr]DTLWGIQKEL

ClinVar aggregate classification (germline): Uncertain significance (1 of 4 stars; one submission).

Allele frequency attached by ClinVar (database versions not stated): gnomAD exomes below 0.00001; TOPMed below 0.00001; gnomAD 0.00001.
gnomAD v4.1: 6 of 1,613,812 alleles (0.00037%); highest among the groups gnomAD compares: African/African-American, 0.0027%; no homozygotes.

Submission:

GeneDx
Classification: Uncertain significance. Last evaluated: 2017-04-03. Review status: criteria provided, single submitter. Criteria: GeneDx Variant Classification (06012015). Collection method: clinical testing. Allele origin: germline. Affected: yes.
Comment: The A320T variant in the LDHA gene has not been reported previously as a pathogenic variant, nor as a benign variant, to our knowledge. The A320T variant is not observed in large population cohorts (Lek et al., 2016; 1000 Genomes Consortium et al., 2015; Exome Variant Server). The A320T variant is a non-conservative amino acid substitution, which is likely to impact secondary protein structure as these residues differ in polarity, charge, size and/or other properties. This substitution occurs at a position that is conserved across species. In silico analysis predicts this variant is probably damaging to the protein structure/function. We interpret A320T as a variant of uncertain significance.